The following is an entry in ClinVar:

ClinVar aggregate classification (germline): Likely benign. Review status: criteria provided, multiple submitters, no conflicts (2 of 4 stars). 3 submissions from 3 submitters: Likely benign (2). 1 of the submissions does not count toward it. Last evaluated 2025-05-26.

Conditions:
Primary dilated cardiomyopathy (DCM). Also called: Dilated Cardiomyopathy. Identifiers: Orphanet 217604, MedGen C0007193, MeSH D002311, MONDO:0005021, HP:0001644. Inheritance: Various modes of inheritance.
Hypertrophic cardiomyopathy. Also called: HYPERTROPHIC MYOCARDIOPATHY. Identifiers: Orphanet 217569, MedGen C0007194, MeSH D002312, MONDO:0005045, HP:0001639.
PDLIM3-related disorder. Also called: PDLIM3-related condition.

Allele frequency attached by ClinVar (database versions not stated): gnomAD 0.00001; TOPMed 0.00003; ExAC 0.00012.
gnomAD v4.1: 44 of 1,614,090 alleles (0.0027%); highest among the groups gnomAD compares: Admixed American, 0.065%; no homozygotes.

Submissions (3):

Labcorp Genetics (formerly Invitae), Labcorp
Classification: Likely benign for Hypertrophic cardiomyopathy; Primary dilated cardiomyopathy. Last evaluated: 2025-05-26. Review status: criteria provided, single submitter. Criteria: Invitae Variant Classification Sherloc (09022015). Collection method: clinical testing. Allele origin: germline.

GeneDx
Classification: Likely benign. Last evaluated: 2016-04-06. Review status: criteria provided, single submitter. Criteria: GeneDx Variant Classification (06012015). Collection method: clinical testing. Allele origin: germline. Affected: yes.
Comment: This variant is considered likely benign or benign based on one or more of the following criteria: it is a conservative change, it occurs at a poorly conserved position in the protein, it is predicted to be benign by multiple in silico algorithms, and/or has population frequency not consistent with disease.

PreventionGenetics, part of Exact Sciences
Classification: Likely benign for PDLIM3-related condition. Last evaluated: 2024-05-16. Review status: no assertion criteria provided. Collection method: clinical testing. Allele origin: germline. Not counted in ClinVar's aggregate classification.
Comment: This variant is classified as likely benign based on ACMG/AMP sequence variant interpretation guidelines (Richards et al. 2015 PMID: 25741868, with internal and published modifications).

NM_014476.6(PDLIM3):c.398+9C>T

Genes: PDLIM3 (PDZ and LIM domain 3; minus strand), LOC126807246 (BRD4-independent group 4 enhancer GRCh37_chr4:186434842-186436041; plus strand). Cytogenetic location: 4q35.1.
Variant type: single nucleotide variant.
Coding change: c.398+9C>T on transcript NM_014476.6 (MANE Select); 9 bases into the intron after coding-DNA position 398, C replaced by T.
Molecular consequence: intron variant.
Genome position (GRCh38, 1-based): chr4:185,514,261, G>A on the plus strand (C>T on the coding strand, the complement: PDLIM3 is on the minus strand). VCF-style: chr4-185514261-G-A. GRCh37 (hg19) VCF-style: chr4-186435415-G-A.
Other names: c.161+9C>T (NM_001257963.2); c.398+9C>T (NM_001257962.2); c.518+442C>T (NM_001114107.5).
Identifiers: ClinVar variation 385332 (VCV000385332.13), dbSNP rs761820729, ClinGen allele CA3159802.